The following is an entry in ClinVar:

NM_015506.3(MMACHC):c.70del (p.Tyr24fs)

Gene: MMACHC (metabolism of cobalamin associated C; plus strand). Cytogenetic location: 1p34.1.
Variant type: Deletion.
Coding change: c.70del on transcript NM_015506.3 (MANE Select); coding-DNA position 70, one base deleted (T; older notation c.70delT).
Protein change: p.Tyr24fs; shifts the reading frame from tyrosine 24.
Molecular consequence: frameshift variant. On other transcripts: 5 prime UTR variant (1).
Genome position (GRCh38, 1-based): chr1:45,500,402, T deleted; the last of 3 consecutive T bases (chr1:45,500,400-45,500,402); deleting any one gives the same sequence. VCF-style (leftmost placement, unchanged base first): chr1-45500399-GT-G. GRCh37 (hg19) VCF-style: chr1-45966071-GT-G.
Other names: c.-153del (NM_001330540.2); short protein forms Y24fs.
Identifiers: ClinVar variation 1724282 (VCV001724282.2), dbSNP rs2522798359, ClinGen allele CA2580062898.

ClinVar aggregate classification (germline): Likely pathogenic (1 of 4 stars; one submission).

Conditions:
Cobalamin C disease. Also called: methylmalonic aciduria and homocystinuria type cblC; Methylmalonic aciduria with homocystinuria cblC type; Methylmalonic aciduria and homocystinuria, Vitamin B12-responsive; Vitamin B12 metabolic defect with combined deficiency of methylmalonyl-CoA mutase and homocysteine:methyltetrahydrofolate methyltransferase; Cobalamin-C methylmalonic acidemia and homocystinuria; Methylmalonic acidemia and homocystinuria cblC type. Identifiers: Orphanet 26, Orphanet 79282, MedGen C1848561, MONDO:0010184, OMIM 277400.

Submission:

Myriad Genetics, Inc.
Classification: Likely pathogenic for Cobalamin C disease. Last evaluated: 2022-02-04. Review status: criteria provided, single submitter. Criteria: Myriad Women's Health Autosomal Recessive and X-Linked Classification Criteria (2021). Collection method: clinical testing. Allele origin: unknown.
Comment: NM_015506.2(MMACHC):c.70delT(Y24Tfs*52) is expected to be pathogenic in the context of methylmalonic aciduria and homocystinuria, cblC type. This variant is predicted to lead to an abnormal or absent protein product due to the creation of a premature termination codon in MMACHC, a gene where loss-of-function variants are known to be pathogenic. Please note: this variant was assessed in the context of healthy population screening.